The following is an entry in ClinVar:

NM_005027.4(PIK3R2):c.1361A>G (p.Gln454Arg)

Gene: PIK3R2 (phosphoinositide-3-kinase regulatory subunit 2; plus strand). Cytogenetic location: 19p13.11.
Variant type: single nucleotide variant.
Coding change: c.1361A>G on transcript NM_005027.4 (MANE Select); coding-DNA position 1361, A replaced by G.
Protein change: p.Gln454Arg; replaces glutamine 454 with arginine.
Molecular consequence: missense variant. On other transcripts: non-coding transcript variant (2).
Genome position (GRCh38, 1-based): chr19:18,163,333, A>G. VCF-style: chr19-18163333-A-G. GRCh37 (hg19) VCF-style: chr19-18274143-A-G.
Other names: short protein forms Q454R.
Identifiers: ClinVar variation 2973918 (VCV002973918.3), dbSNP rs1286243449, ClinGen allele CA404810277.

ClinVar aggregate classification (germline): Uncertain significance (1 of 4 stars; one submission).

Conditions:
Megalencephaly-polymicrogyria-postaxial polydactyly-hydrocephalus syndrome. Also called: MPPH Syndrome; MEG-PMG-MEGACC SYNDROME. Identifiers: Orphanet 83473, MedGen C1863924, MONDO:0019375.

Allele frequency attached by ClinVar (database versions not stated): TOPMed below 0.00001; gnomAD 0.00001; gnomAD exomes 0.00001.
gnomAD v4.1: 6 of 1,614,008 alleles (0.00037%); highest among the groups gnomAD compares: Non-Finnish European, 0.00051%; no homozygotes.

Submission:

Labcorp Genetics (formerly Invitae), Labcorp
Classification: Uncertain significance for Megalencephaly-polymicrogyria-postaxial polydactyly-hydrocephalus syndrome. Last evaluated: 2023-09-29. Review status: criteria provided, single submitter. Criteria: Invitae Variant Classification Sherloc (09022015). Collection method: clinical testing. Allele origin: germline.
Comment: This sequence change replaces glutamine, which is neutral and polar, with arginine, which is basic and polar, at codon 454 of the PIK3R2 protein (p.Gln454Arg). In summary, the available evidence is currently insufficient to determine the role of this variant in disease. Therefore, it has been classified as a Variant of Uncertain Significance. Advanced modeling of protein sequence and biophysical properties (such as structural, functional, and spatial information, amino acid conservation, physicochemical variation, residue mobility, and thermodynamic stability) performed at Invitae indicates that this missense variant is not expected to disrupt PIK3R2 protein function. This variant has not been reported in the literature in individuals affected with PIK3R2-related conditions. This variant is not present in population databases (gnomAD no frequency).